The following is an entry in ClinVar:

NM_006231.4(POLE):c.1088A>T (p.Asn363Ile)

Gene: POLE (DNA polymerase epsilon, catalytic subunit; minus strand). Cytogenetic location: 12q24.33.
Variant type: single nucleotide variant.
Coding change: c.1088A>T on transcript NM_006231.4 (MANE Select); coding-DNA position 1088, A replaced by T.
Protein change: p.Asn363Ile; replaces asparagine 363 with isoleucine.
Molecular consequence: missense variant.
Genome position (GRCh38, 1-based): chr12:132,675,753, T>A on the plus strand (A>T on the coding strand, the complement: POLE is on the minus strand). VCF-style: chr12-132675753-T-A. GRCh37 (hg19) VCF-style: chr12-133252339-T-A.
Other names: short protein forms N363I.
Identifiers: ClinVar variation 2043479 (VCV002043479.4), dbSNP rs879254173, ClinGen allele CA387361398.

ClinVar aggregate classification (germline): Uncertain significance (1 of 4 stars; one submission).

Submission:

Labcorp Genetics (formerly Invitae), Labcorp
Classification: Uncertain significance. Last evaluated: 2023-08-03. Review status: criteria provided, single submitter. Criteria: Invitae Variant Classification Sherloc (09022015). Collection method: clinical testing. Allele origin: germline.
Comment: This variant is not present in population databases (gnomAD no frequency). This sequence change replaces asparagine, which is neutral and polar, with isoleucine, which is neutral and non-polar, at codon 363 of the POLE protein (p.Asn363Ile). This variant has not been reported in the literature in individuals affected with POLE-related conditions. ClinVar contains an entry for this variant (Variation ID: 2043479). Advanced modeling of protein sequence and biophysical properties (such as structural, functional, and spatial information, amino acid conservation, physicochemical variation, residue mobility, and thermodynamic stability) performed at Invitae indicates that this missense variant is expected to disrupt POLE protein function. This variant disrupts the p.Asn363 amino acid residue in POLE. Other variant(s) that disrupt this residue have been determined to be pathogenic (PMID: 24788313, 30368636). This suggests that this residue is clinically significant, and that variants that disrupt this residue are likely to be disease-causing. In summary, the available evidence is currently insufficient to determine the role of this variant in disease. Therefore, it has been classified as a Variant of Uncertain Significance.

Literature cited by the submitters: PubMed 24788313; PubMed 30368636.